The following is an entry in ClinVar:

NC_000008.10:g.(?_145541784)_(145541915_?)del

Gene: DGAT1 (diacylglycerol O-acyltransferase 1; minus strand). Cytogenetic location: 8q24.3.
Variant type: Deletion.
Identifiers: ClinVar variation 3245578 (VCV003245578.1).

ClinVar aggregate classification (germline): Likely pathogenic (1 of 4 stars; one submission).

Submission:

Labcorp Genetics (formerly Invitae), Labcorp
Classification: Likely pathogenic. Last evaluated: 2023-06-18. Review status: criteria provided, single submitter. Criteria: Invitae Variant Classification Sherloc (09022015). Collection method: clinical testing. Allele origin: unknown.
Comment: In summary, the currently available evidence indicates that the variant is pathogenic, but additional data are needed to prove that conclusively. Therefore, this variant has been classified as Likely Pathogenic. This variant has not been reported in the literature in individuals affected with DGAT1-related conditions. This variant results in the deletion of part of exon 8 (c.676+9_725del) of the DGAT1 gene. It is expected to disrupt RNA splicing. Variants that disrupt the donor or acceptor splice site typically lead to a loss of protein function (PMID: 16199547), and loss-of-function variants in DGAT1 are known to be pathogenic (PMID: 29604290).

Literature cited by the submitters: PubMed 16199547; PubMed 29604290.